The following is an entry in ClinVar:

NM_002693.3(POLG):c.1498G>A (p.Ala500Thr)

Gene: POLG (DNA polymerase gamma, catalytic subunit; minus strand). Cytogenetic location: 15q26.1.
Variant type: single nucleotide variant.
Coding change: c.1498G>A on transcript NM_002693.3 (MANE Select); coding-DNA position 1498, G replaced by A.
Protein change: p.Ala500Thr; replaces alanine 500 with threonine.
Molecular consequence: missense variant.
Genome position (GRCh38, 1-based): chr15:89,326,999, C>T on the plus strand (G>A on the coding strand, the complement: POLG is on the minus strand). VCF-style: chr15-89326999-C-T. GRCh37 (hg19) VCF-style: chr15-89870230-C-T.
Other names: c.1498G>A, p.Ala500Thr (NM_001126131.2); short protein forms A500T.
Identifiers: ClinVar variation 405575 (VCV000405575.12), dbSNP rs745506700, ClinGen allele CA7724822.

ClinVar aggregate classification (germline): Uncertain significance. Review status: criteria provided, multiple submitters, no conflicts (2 of 4 stars). 6 submissions from 6 submitters: Uncertain significance (5). 1 of the submissions does not count toward it. Last evaluated 2026-01-31.

Conditions:
POLG-related disorder. Also called: POLG-Related Spectrum Disorders; POLG-related condition; POLG-Related Disorders. Identifiers: MedGen C4763519.
Progressive sclerosing poliodystrophy (MTDPS4A). Also called: Mitochondrial DNA depletion syndrome 4A (Alpers type); Alpers Syndrome; ALPERS DIFFUSE DEGENERATION OF CEREBRAL GRAY MATTER WITH HEPATIC CIRRHOSIS; Mitochondrial DNA Depletion Syndrome 4A; Alpers-Huttenlocher Syndrome (AHS); ALPERS PROGRESSIVE INFANTILE POLIODYSTROPHY. Identifiers: Orphanet 726, MedGen C0205710, MONDO:0008758, OMIM 203700.

Allele frequency attached by ClinVar (database versions not stated): ExAC 0.00002; gnomAD exomes 0.00004 and 0.00003; TOPMed 0.00002; gnomAD 0.00003.
gnomAD v4.1: 46 of 1,614,112 alleles (0.0028%); highest among the groups gnomAD compares: Non-Finnish European, 0.0036%; no homozygotes.

Submissions (6):

Labcorp Genetics (formerly Invitae), Labcorp
Classification: Uncertain significance for Progressive sclerosing poliodystrophy. Last evaluated: 2026-01-31. Review status: criteria provided, single submitter. Criteria: Invitae Variant Classification Sherloc (09022015). Collection method: clinical testing. Allele origin: germline.
Comment: This sequence change replaces alanine, which is neutral and non-polar, with threonine, which is neutral and polar, at codon 500 of the POLG protein (p.Ala500Thr). This variant is present in population databases (rs745506700, gnomAD 0.006%). This variant has not been reported in the literature in individuals affected with POLG-related conditions. ClinVar contains an entry for this variant (Variation ID: 405575). Invitae Evidence Modeling of protein sequence and biophysical properties (such as structural, functional, and spatial information, amino acid conservation, physicochemical variation, residue mobility, and thermodynamic stability) indicates that this missense variant is not expected to disrupt POLG protein function with a negative predictive value of 95%. In summary, the available evidence is currently insufficient to determine the role of this variant in disease. Therefore, it has been classified as a Variant of Uncertain Significance.

Athena Diagnostics
Classification: Uncertain significance. Last evaluated: 2020-01-06. Review status: criteria provided, single submitter. Criteria: Athena Diagnostics Criteria. Collection method: clinical testing. Allele origin: unknown.

Wong Mito Lab, Molecular and Human Genetics, Baylor College of Medicine
Classification: Uncertain significance for Progressive sclerosing poliodystrophy. Last evaluated: 2018-10-01. Review status: criteria provided, single submitter. Criteria: ACMG Guidelines, 2015. Collection method: clinical testing. Allele origin: germline.
Comment: The NM_002693.2:c.1498G>A (NP_002684.1:p.Ala500Thr) [GRCH38: NC_000015.10:g.89326999C>T] variant in POLG gene is interpretated to be a Uncertain Significance based on ACMG guidelines (PMID: 25741868). This variant meets the following evidence codes reported in the ACMG-guideline. BP4:Computational evidence/predictors indicate no impact on the POLG structure, function, or protein-protein interaction. Based on the evidence criteria codes applied, the variant is suggested to be Uncertain Significance.

GeneDx
Classification: Uncertain significance. Last evaluated: 2018-03-13. Review status: criteria provided, single submitter. Criteria: GeneDx Variant Classification (06012015). Collection method: clinical testing. Allele origin: germline. Affected: yes.
Comment: A variant of uncertain significance has been identified in the POLG gene. The A500T variant has not been published as a pathogenic variant, nor has it been reported as a benign variant to our knowledge. The A500T variant is not observed at a significant frequency in large population cohorts (Lek et al., 2016; 1000 Genomes Consortium et al., 2015; Exome Variant Server). The A500T variant is a non-conservative amino acid substitution, which is likely to impact secondary protein structure as these residues differ in polarity, charge, size and/or other properties. However, this substitution occurs at a position that is not conserved and in silico analysis predicts this variant likely does not alter the protein structure/function. Therefore, based on the currently available information, it is unclear whether this variant is a pathogenic variant or a rare benign variant.

Illumina Laboratory Services, Illumina
Classification: Uncertain significance for POLG-Related Spectrum Disorders. Last evaluated: 2018-03-02. Review status: criteria provided, single submitter. Criteria: ICSL Variant Classification Criteria 13 December 2019. Collection method: clinical testing. Allele origin: germline.

PreventionGenetics, part of Exact Sciences
Classification: Uncertain significance for POLG-related condition. Last evaluated: 2024-03-22. Review status: no assertion criteria provided. Collection method: clinical testing. Allele origin: germline. Not counted in ClinVar's aggregate classification.
Comment: The POLG c.1498G>A variant is predicted to result in the amino acid substitution p.Ala500Thr. To our knowledge, this variant has not been reported in the literature. This variant is reported in 0.0070% of alleles in individuals of European (Non-Finnish) descent in gnomAD. At this time, the clinical significance of this variant is uncertain due to the absence of conclusive functional and genetic evidence.